The following is an entry in ClinVar:

NM_003036.4(SKI):c.1373C>T (p.Thr458Ile)

Gene: SKI (SKI proto-oncogene; plus strand). Cytogenetic location: 1p36.32.
Variant type: single nucleotide variant.
Coding change: c.1373C>T on transcript NM_003036.4 (MANE Select); coding-DNA position 1373, C replaced by T.
Protein change: p.Thr458Ile; replaces threonine 458 with isoleucine.
Molecular consequence: missense variant.
Genome position (GRCh38, 1-based): chr1:2,304,001, C>T. VCF-style: chr1-2304001-C-T. GRCh37 (hg19) VCF-style: chr1-2235440-C-T.
Other names: short protein forms T458I.
Identifiers: ClinVar variation 1771098 (VCV001771098.2), dbSNP rs2521486150, ClinGen allele CA337956542.
Genomic context (GRCh38, chr1:2,304,001, plus strand): 5'-CCGTCTCCCGGGCCCCCGAGCCTCTCGCCACTTGCACCCAGCCTCGGAAGCGGAAGCTGA[C>T]TGTGGACACCCCAGGAGCCCCAGAGACGCTGGCGCCCGTGGCTGCCCCAGAGGAGGACAA-3'
Protein context (NP_003027.1, residues 448-468): TCTQPRKRKL[Thr458Ile]VDTPGAPETL

ClinVar aggregate classification (germline): Uncertain significance (1 of 4 stars; one submission).

Conditions:
Familial thoracic aortic aneurysm and aortic dissection (TAAD). Also called: Thoracic aortic aneurysms and dissections. Identifiers: Orphanet 91387, MedGen C4707243, MONDO:0019625.

Allele frequency attached by ClinVar (database versions not stated): gnomAD exomes below 0.00001.
gnomAD v4.1: 1 of 1,612,604 alleles (0.000062%); highest among the groups gnomAD compares: African/African-American, 0.0013%; no homozygotes.

Submission:

Ambry Genetics
Classification: Uncertain significance for Familial thoracic aortic aneurysm and aortic dissection. Last evaluated: 2022-04-01. Review status: criteria provided, single submitter. Criteria: Ambry Variant Classification Scheme 2023. Collection method: clinical testing. Allele origin: germline.
Comment: The p.T458I variant (also known as c.1373C>T), located in coding exon 4 of the SKI gene, results from a C to T substitution at nucleotide position 1373. The threonine at codon 458 is replaced by isoleucine, an amino acid with similar properties. This amino acid position is conserved. In addition, this alteration is predicted to be tolerated by in silico analysis. Since supporting evidence is limited at this time, the clinical significance of this alteration remains unclear.